The following is an entry in ClinVar:

NM_005359.6(SMAD4):c.927A>C (p.Ala309=)

Gene: SMAD4 (SMAD family member 4; plus strand). Cytogenetic location: 18q21.2.
Variant type: single nucleotide variant.
Coding change: c.927A>C on transcript NM_005359.6 (MANE Select); coding-DNA position 927, A replaced by C.
Protein change: p.Ala309=; no amino-acid change (alanine 309 retained).
Molecular consequence: synonymous variant.
Genome position (GRCh38, 1-based): chr18:51,059,888, A>C. VCF-style: chr18-51059888-A-C. GRCh37 (hg19) VCF-style: chr18-48586258-A-C.
Identifiers: ClinVar variation 492502 (VCV000492502.9), dbSNP rs369088915, ClinGen allele CA503873927.

ClinVar aggregate classification (germline): Benign/Likely benign. Review status: criteria provided, multiple submitters, no conflicts (2 of 4 stars). 4 submissions from 4 submitters: Benign (1); Likely benign (3). Last evaluated 2025-10-29.

Conditions:
Hereditary cancer-predisposing syndrome. Also called: Hereditary neoplastic syndrome; Tumor predisposition; Neoplastic Syndromes, Hereditary; Hereditary Cancer Syndrome. Identifiers: Orphanet 140162, MedGen C0027672, MeSH D009386, MONDO:0015356.
Familial thoracic aortic aneurysm and aortic dissection (TAAD). Also called: Thoracic aortic aneurysms and dissections. Identifiers: Orphanet 91387, MedGen C4707243, MONDO:0019625.
Juvenile polyposis syndrome (JPS). Identifiers: Orphanet 2929, MedGen C0345893, MONDO:0017380, OMIM 174900.
Juvenile polyposis/hereditary hemorrhagic telangiectasia syndrome (JPHT). Also called: Juvenile Polyposis Syndrome / Hereditary Hemorrhagic Telangiectasia (JPS/HHT); JP/HHT SYNDROME; JUVENILE POLYPOSIS WITH HEREDITARY HEMORRHAGIC TELANGIECTASIA; POLYPOSIS, GENERALIZED JUVENILE, WITH PULMONARY ARTERIOVENOUS MALFORMATION; TELANGIECTASIA, HEREDITARY HEMORRHAGIC, WITH JUVENILE POLYPOSIS COLI. Identifiers: Orphanet 2929, MedGen C1832942, MONDO:0008278, OMIM 175050.

Allele frequency attached by ClinVar (database versions not stated): gnomAD exomes below 0.00001.
gnomAD v4.1: 1 of 1,613,370 alleles (0.000062%); highest among the groups gnomAD compares: Non-Finnish European, 0.000085%; no homozygotes.

Submissions (4):

Labcorp Genetics (formerly Invitae), Labcorp
Classification: Likely benign for Juvenile polyposis syndrome. Last evaluated: 2025-10-29. Review status: criteria provided, single submitter. Criteria: Invitae Variant Classification Sherloc (09022015). Collection method: clinical testing. Allele origin: germline.

Myriad Genetics, Inc.
Classification: Benign for Juvenile polyposis/hereditary hemorrhagic telangiectasia syndrome. Last evaluated: 2025-03-20. Review status: criteria provided, single submitter. Criteria: Myriad Autosomal Dominant, Autosomal Recessive and X-Linked Classification Criteria (2023). Collection method: clinical testing. Allele origin: unknown.
Comment: This variant is considered benign. This variant is a silent/synonymous amino acid change and it is not expected to impact splicing.

Ambry Genetics
Classification: Likely benign for Hereditary cancer-predisposing syndrome; Familial thoracic aortic aneurysm and aortic dissection. Last evaluated: 2021-05-14. Review status: criteria provided, single submitter. Criteria: Ambry Variant Classification Scheme 2023. Collection method: clinical testing. Allele origin: germline.

Color Diagnostics, LLC DBA Color Health
Classification: Likely benign for Hereditary cancer-predisposing syndrome. Last evaluated: 2017-06-09. Review status: criteria provided, single submitter. Criteria: ACMG Guidelines, 2015. Collection method: clinical testing. Allele origin: germline.